The following is an entry in ClinVar:

NM_002469.3(MYF6):c.528T>C (p.Gly176=)

Gene: MYF6 (myogenic factor 6; plus strand). Cytogenetic location: 12q21.31.
Variant type: single nucleotide variant.
Coding change: c.528T>C on transcript NM_002469.3 (MANE Select); coding-DNA position 528, T replaced by C.
Protein change: p.Gly176=; no amino-acid change (glycine 176 retained).
Molecular consequence: synonymous variant.
Genome position (GRCh38, 1-based): chr12:80,708,532, T>C. VCF-style: chr12-80708532-T-C. GRCh37 (hg19) VCF-style: chr12-81102311-T-C.
Identifiers: ClinVar variation 435911 (VCV000435911.47), dbSNP rs145205388, ClinGen allele CA6703128.

ClinVar aggregate classification (germline): Likely benign. Review status: criteria provided, multiple submitters, no conflicts (2 of 4 stars). 5 submissions from 5 submitters: Likely benign (5). Last evaluated 2026-03-01.

Conditions:
Autosomal dominant centronuclear myopathy. Also called: Myopathy, centronuclear, 3; MYOTUBULAR MYOPATHY, AUTOSOMAL DOMINANT. Identifiers: Orphanet 169189, MedGen C4551952, MeSH D020914, MONDO:0008048, OMIM 160150.

Allele frequency attached by ClinVar (database versions not stated): gnomAD 0.00060 and 0.00068; 1000 Genomes Project 30x 0.00062; 1000 Genomes Project 0.00080; ESP Exome Variant Server 0.00092; TOPMed 0.00094; ExAC 0.00097; gnomAD exomes 0.00097 and 0.00099.

Submissions (5):

CeGaT Center for Human Genetics Tuebingen
Classification: Likely benign. Last evaluated: 2026-03-01. Review status: criteria provided, single submitter. Criteria: CeGaT Center For Human Genetics Tuebingen Variant Classification Criteria Version 2. Collection method: clinical testing. Allele origin: germline. Affected: yes. Observed: 4 variant alleles.
Comment: MYF6: BP4, BP7

Blueprint Genetics
Classification: Likely benign. Last evaluated: 2024-11-24. Review status: criteria provided, single submitter. Criteria: ACMG Guidelines, 2015. Collection method: clinical testing. Allele origin: germline.

Labcorp Genetics (formerly Invitae), Labcorp
Classification: Likely benign for Autosomal dominant centronuclear myopathy. Last evaluated: 2023-12-06. Review status: criteria provided, single submitter. Criteria: Invitae Variant Classification Sherloc (09022015). Collection method: clinical testing. Allele origin: germline.

Genetic Services Laboratory, University of Chicago
Classification: Likely benign. Last evaluated: 2016-07-21. Review status: criteria provided, single submitter. Criteria: ACMG Guidelines, 2015. Collection method: clinical testing. Allele origin: germline. Affected: no.

Breakthrough Genomics
Classification: Likely benign. Review status: criteria provided, single submitter. Criteria: ACMG Guidelines, 2015. Collection method: not provided. Allele origin: germline. Inheritance: Unknown mechanism. Affected: yes.